The following is an entry in ClinVar:

NM_000478.6(ALPL):c.1277G>T (p.Gly426Val)

Gene: ALPL (alkaline phosphatase, biomineralization associated; plus strand). Cytogenetic location: 1p36.12.
Variant type: single nucleotide variant.
Coding change: c.1277G>T on transcript NM_000478.6 (MANE Select); coding-DNA position 1277, G replaced by T.
Protein change: p.Gly426Val; replaces glycine 426 with valine.
Molecular consequence: missense variant.
Genome position (GRCh38, 1-based): chr1:21,576,609, G>T. VCF-style: chr1-21576609-G-T. GRCh37 (hg19) VCF-style: chr1-21903102-G-T.
Other names: c.1112G>T, p.Gly371Val (NM_001127501.4); c.1046G>T, p.Gly349Val (NM_001177520.3); c.1277G>T, p.Gly426Val (NM_001369803.2, NM_001369804.2, NM_001369805.2); short protein forms G349V, G371V, G426V.
Identifiers: ClinVar variation 3375425 (VCV003375425.1).

ClinVar aggregate classification (germline): Uncertain significance (1 of 4 stars; one submission).

Submission:

Women's Health and Genetics/Laboratory Corporation of America, LabCorp
Classification: Uncertain significance. Last evaluated: 2024-09-17. Review status: criteria provided, single submitter. Criteria: LabCorp Variant Classification Summary - May 2015. Collection method: clinical testing. Allele origin: germline.
Comment: Variant summary: ALPL c.1277G>T (p.Gly426Val) results in a non-conservative amino acid change in the encoded protein sequence. Five of five in-silico tools predict a damaging effect of the variant on protein function. The variant was absent in 251380 control chromosomes (gnomAD). To our knowledge, no occurrence of c.1277G>T in individuals affected with Hypophosphatasia and no experimental evidence demonstrating its impact on protein function have been reported. A different variant affecting the same codon has been classified as pathogenic by our lab (c.1276G>A, p.Gly426Ser), in addition, other missense changes affecting this residue (i.e. G426C/D), have been reported in patients (HGMD), and been found to markedly reduce ALP activity (PMID 28000043); these data support the critical relevance of codon 426 to ALPL protein function. No submitters have cited clinical-significance assessments for this variant to ClinVar. Based on the evidence outlined above, the variant was classified as VUS-possibly pathogenic.